The following is an entry in ClinVar:

NM_000075.4(CDK4):c.43G>C (p.Gly15Arg)

Gene: CDK4 (cyclin dependent kinase 4; minus strand). Cytogenetic location: 12q14.1.
Variant type: single nucleotide variant.
Coding change: c.43G>C on transcript NM_000075.4 (MANE Select); coding-DNA position 43, G replaced by C.
Protein change: p.Gly15Arg; replaces glycine 15 with arginine.
Molecular consequence: missense variant.
Genome position (GRCh38, 1-based): chr12:57,751,675, C>G on the plus strand (G>C on the coding strand, the complement: CDK4 is on the minus strand). VCF-style: chr12-57751675-C-G. GRCh37 (hg19) VCF-style: chr12-58145458-C-G.
Other names: short protein forms G15R.
Identifiers: ClinVar variation 946627 (VCV000946627.9), dbSNP rs1355460580, ClinGen allele CA385549122.

ClinVar aggregate classification (germline): Uncertain significance (1 of 4 stars; one submission).

Conditions:
Familial melanoma. Also called: Hereditary melanoma; Hereditary cutaneous melanoma. Identifiers: Orphanet 618, MedGen C1512419, MONDO:0018961.

Submission:

Labcorp Genetics (formerly Invitae), Labcorp
Classification: Uncertain significance for Familial melanoma. Last evaluated: 2021-07-23. Review status: criteria provided, single submitter. Criteria: Invitae Variant Classification Sherloc (09022015). Collection method: clinical testing. Allele origin: germline.
Comment: Algorithms developed to predict the effect of missense changes on protein structure and function are either unavailable or do not agree on the potential impact of this missense change (SIFT: "Deleterious"; PolyPhen-2: "Probably Damaging"; Align-GVGD: "Class C0"). In summary, the available evidence is currently insufficient to determine the role of this variant in disease. Therefore, it has been classified as a Variant of Uncertain Significance. This variant has not been reported in the literature in individuals with CDK4-related conditions. This variant is not present in population databases (ExAC no frequency). This sequence change replaces glycine with arginine at codon 15 of the CDK4 protein (p.Gly15Arg). The glycine residue is moderately conserved and there is a moderate physicochemical difference between glycine and arginine.